The following is an entry in ClinVar:

ClinVar aggregate classification (germline): Uncertain significance. Review status: criteria provided, multiple submitters, no conflicts (2 of 4 stars). 2 submissions from 2 submitters: Uncertain significance (2). Last evaluated 2024-03-22.

Allele frequency attached by ClinVar (database versions not stated): TOPMed below 0.00001; gnomAD 0.00001; gnomAD exomes 0.00001.
gnomAD v4.1: 12 of 1,614,078 alleles (0.00074%); highest among the groups gnomAD compares: South Asian, 0.0055%; 2 homozygotes.

Submissions (2):

Labcorp Genetics (formerly Invitae), Labcorp
Classification: Uncertain significance. Last evaluated: 2024-03-22. Review status: criteria provided, single submitter. Criteria: Invitae Variant Classification Sherloc (09022015). Collection method: clinical testing. Allele origin: germline.
Comment: This sequence change replaces alanine, which is neutral and non-polar, with threonine, which is neutral and polar, at codon 877 of the NPAT protein (p.Ala877Thr). This variant is present in population databases (rs200453131, gnomAD 0.002%). This variant has not been reported in the literature in individuals affected with NPAT-related conditions. ClinVar contains an entry for this variant (Variation ID: 1794022). Algorithms developed to predict the effect of missense changes on protein structure and function output the following: SIFT: "Not Available"; PolyPhen-2: "Benign"; Align-GVGD: "Not Available". The threonine amino acid residue is found in multiple mammalian species, which suggests that this missense change does not adversely affect protein function. In summary, the available evidence is currently insufficient to determine the role of this variant in disease. Therefore, it has been classified as a Variant of Uncertain Significance.

Ambry Genetics
Classification: Uncertain significance. Last evaluated: 2023-11-02. Review status: criteria provided, single submitter. Criteria: Ambry Variant Classification Scheme 2023. Collection method: clinical testing. Allele origin: germline.
Comment: The p.A877T variant (also known as c.2629G>A), located in coding exon 13 of the NPAT gene, results from a G to A substitution at nucleotide position 2629. The alanine at codon 877 is replaced by threonine, an amino acid with similar properties. This amino acid position is conserved. In addition, this alteration is predicted to be tolerated by in silico analysis. Since supporting evidence is limited at this time, the clinical significance of this alteration remains unclear.

NM_002519.3(NPAT):c.2629G>A (p.Ala877Thr)

Gene: NPAT (nuclear protein, coactivator of histone transcription; minus strand). Cytogenetic location: 11q22.3.
Variant type: single nucleotide variant.
Coding change: c.2629G>A on transcript NM_002519.3 (MANE Select); coding-DNA position 2629, G replaced by A.
Protein change: p.Ala877Thr; replaces alanine 877 with threonine.
Molecular consequence: missense variant.
Genome position (GRCh38, 1-based): chr11:108,172,355, C>T on the plus strand (G>A on the coding strand, the complement: NPAT is on the minus strand). VCF-style: chr11-108172355-C-T. GRCh37 (hg19) VCF-style: chr11-108043082-C-T.
Other names: c.2629G>A, p.Ala877Thr (NM_001321307.1); short protein forms A877T.
Identifiers: ClinVar variation 1794022 (VCV001794022.4), dbSNP rs200453131, ClinGen allele CA228383412.
Genomic context (GRCh38, chr11:108,172,355, plus strand): 5'-TAGGTGCAGAATTTCCAGGCAACACCACTACATTAGACTGACTTACAGATGTTCCTAACG[C>T]TGTTGGATCAGTCACACAGGTAGCTATCAGAATGTTATTTGAATTGCCAAAAGCTGTGCT-3'
Protein context (NP_002510.2, residues 867-887): LIATCVTDPT[Ala877Thr]LGTSVSQSNV